The following is an entry in ClinVar:

NM_015650.4(TRAF3IP1):c.1768A>G (p.Ile590Val)

Gene: TRAF3IP1 (TRAF3 interacting protein 1; plus strand). Cytogenetic location: 2q37.3.
Variant type: single nucleotide variant.
Coding change: c.1768A>G on transcript NM_015650.4 (MANE Select); coding-DNA position 1768, A replaced by G.
Protein change: p.Ile590Val; replaces isoleucine 590 with valine.
Molecular consequence: missense variant.
Genome position (GRCh38, 1-based): chr2:238,397,537, A>G. VCF-style: chr2-238397537-A-G. GRCh37 (hg19) VCF-style: chr2-239306178-A-G.
Other names: c.1570A>G, p.Ile524Val (NM_001139490.1); short protein forms I524V, I590V.
Identifiers: ClinVar variation 2128583 (VCV002128583.4), dbSNP rs1701283920, ClinGen allele CA351246024.

ClinVar aggregate classification (germline): Uncertain significance (1 of 4 stars; one submission).

Submission:

Labcorp Genetics (formerly Invitae), Labcorp
Classification: Uncertain significance. Last evaluated: 2022-08-01. Review status: criteria provided, single submitter. Criteria: Invitae Variant Classification Sherloc (09022015). Collection method: clinical testing. Allele origin: germline.
Comment: This sequence change replaces isoleucine, which is neutral and non-polar, with valine, which is neutral and non-polar, at codon 590 of the TRAF3IP1 protein (p.Ile590Val). This variant is not present in population databases (gnomAD no frequency). This variant has not been reported in the literature in individuals affected with TRAF3IP1-related conditions. Algorithms developed to predict the effect of missense changes on protein structure and function (SIFT, PolyPhen-2, Align-GVGD) all suggest that this variant is likely to be tolerated. In summary, the available evidence is currently insufficient to determine the role of this variant in disease. Therefore, it has been classified as a Variant of Uncertain Significance.